The following is an entry in ClinVar:

NM_001035.3(RYR2):c.14893C>G (p.Gln4965Glu)

Gene: RYR2 (ryanodine receptor 2; plus strand). Cytogenetic location: 1q43.
Variant type: single nucleotide variant.
Coding change: c.14893C>G on transcript NM_001035.3 (MANE Select); coding-DNA position 14893, C replaced by G.
Protein change: p.Gln4965Glu; replaces glutamine 4965 with glutamic acid.
Molecular consequence: missense variant.
Genome position (GRCh38, 1-based): chr1:237,832,636, C>G. VCF-style: chr1-237832636-C-G. GRCh37 (hg19) VCF-style: chr1-237995936-C-G.
Other names: short protein forms Q4965E.
Identifiers: ClinVar variation 1525790 (VCV001525790.8), dbSNP rs1663933692, ClinGen allele CA345411139.
Genomic context (GRCh38, chr1:237,832,636, plus strand): 5'-CAAGAAAGGTGTTGGGAATTTTTCCCAGCAGGGGATTGCTTCCGGAAACAGTATGAAGAC[C>G]AGCTAAATTAAACTCAGACCCAATCACCTCTAAAAACCAAAACCCTACCCCTCTCTCTCC-3'
Protein context (NP_001026.2, residues 4955-4967): GDCFRKQYED[Gln4965Glu]LN

ClinVar aggregate classification (germline): Uncertain significance. Review status: criteria provided, multiple submitters, no conflicts (2 of 4 stars). 2 submissions from 2 submitters: Uncertain significance (2). Last evaluated 2025-04-19.

Conditions:
Catecholaminergic polymorphic ventricular tachycardia 1. Also called: VENTRICULAR TACHYCARDIA, STRESS-INDUCED POLYMORPHIC 1; VENTRICULAR TACHYCARDIA, CATECHOLAMINERGIC POLYMORPHIC, 1, WITH OR WITHOUT ATRIAL DYSFUNCTION AND/OR DILATED CARDIOMYOPATHY; RYR2-Related Catecholaminergic Polymorphic Ventricular Tachycardia. Identifiers: Orphanet 3286, MedGen C1631597, MONDO:0011484, OMIM 604772.
Cardiomyopathy (CMYO). Also called: Cardiomyopathies. Identifiers: Orphanet 167848, MedGen C0878544, MONDO:0004994, HP:0001638. Inheritance: Various modes of inheritance.

Allele frequency attached by ClinVar (database versions not stated): gnomAD exomes below 0.00001; TOPMed 0.00002.
gnomAD v4.1: 1 of 1,608,192 alleles (0.000062%); highest among the groups gnomAD compares: Non-Finnish European, 0.000085%; no homozygotes.

Submissions (2):

Color Diagnostics, LLC DBA Color Health
Classification: Uncertain significance for Cardiomyopathy. Last evaluated: 2025-04-19. Review status: criteria provided, single submitter. Criteria: ACMG Guidelines, 2015. Collection method: clinical testing. Allele origin: germline.
Comment: This missense variant replaces glutamine with glutamic acid at codon 4965 of the RYR2 protein. Computational prediction suggests that this variant may not impact protein structure and function. To our knowledge, functional studies have not been reported for this variant. This variant has not been reported in individuals affected with RYR2-related disorders in the literature. This variant has not been identified in the general population by the Genome Aggregation Database (gnomAD). The available evidence is insufficient to determine the role of this variant in disease conclusively. Therefore, this variant is classified as a Variant of Uncertain Significance.

Labcorp Genetics (formerly Invitae), Labcorp
Classification: Uncertain significance for Catecholaminergic polymorphic ventricular tachycardia 1. Last evaluated: 2022-07-19. Review status: criteria provided, single submitter. Criteria: Invitae Variant Classification Sherloc (09022015). Collection method: clinical testing. Allele origin: germline.
Comment: In summary, the available evidence is currently insufficient to determine the role of this variant in disease. Therefore, it has been classified as a Variant of Uncertain Significance. Algorithms developed to predict the effect of missense changes on protein structure and function are either unavailable or do not agree on the potential impact of this missense change (SIFT: "Deleterious"; PolyPhen-2: "Benign"; Align-GVGD: "Class C0"). ClinVar contains an entry for this variant (Variation ID: 1525790). This variant has not been reported in the literature in individuals affected with RYR2-related conditions. This variant is not present in population databases (gnomAD no frequency). This sequence change replaces glutamine, which is neutral and polar, with glutamic acid, which is acidic and polar, at codon 4965 of the RYR2 protein (p.Gln4965Glu).